The following is an entry in ClinVar:

NM_001614.5(ACTG1):c.577C>T (p.Leu193Phe)

Gene: ACTG1 (actin gamma 1; minus strand). Cytogenetic location: 17q25.3.
Variant type: single nucleotide variant.
Coding change: c.577C>T on transcript NM_001614.5 (MANE Select); coding-DNA position 577, C replaced by T.
Protein change: p.Leu193Phe; replaces leucine 193 with phenylalanine.
Molecular consequence: missense variant. On other transcripts: non-coding transcript variant (1).
Genome position (GRCh38, 1-based): chr17:81,511,413, G>A on the plus strand (C>T on the coding strand, the complement: ACTG1 is on the minus strand). VCF-style: chr17-81511413-G-A. GRCh37 (hg19) VCF-style: chr17-79478439-G-A.
Other names: c.577C>T, p.Leu193Phe (NM_001199954.3); short protein forms L193F.
Identifiers: ClinVar variation 3253199 (VCV003253199.1), dbSNP rs2031764193.

ClinVar aggregate classification (germline): Uncertain significance (1 of 4 stars; one submission).

Allele frequency attached by ClinVar (database versions not stated): TOPMed below 0.00001.

Submission:

GeneDx
Classification: Uncertain significance. Last evaluated: 2024-06-02. Review status: criteria provided, single submitter. Criteria: GeneDx Variant Classification Process June 2021. Collection method: clinical testing. Allele origin: germline. Affected: yes.
Comment: Not observed at significant frequency in large population cohorts (gnomAD); Missense variants in this gene are a common cause of disease and they are underrepresented in the general population; In silico analysis supports that this missense variant has a deleterious effect on protein structure/function; Has not been previously published as pathogenic or benign to our knowledge